The following is an entry in ClinVar:

ClinVar aggregate classification (germline): Uncertain significance (1 of 4 stars; one submission).

Conditions:
Idiopathic generalized epilepsy. Also called: Generalised epilepsy; EIG. Identifiers: MedGen C0270850, MONDO:0005579, OMIM 600669.
Hyperaldosteronism, familial, type IV (HALD4). Also called: FH IV; ALDOSTERONISM, PRIMARY, AND HYPERTENSION. Identifiers: Orphanet 642671, MedGen C4310756, MONDO:0014875, OMIM 617027.

Allele frequency attached by ClinVar (database versions not stated): gnomAD 0.00001.
gnomAD v4.1: 1 of 1,593,762 alleles (0.000063%); highest among the groups gnomAD compares: South Asian, 0.0011%; no homozygotes.

Submission:

Labcorp Genetics (formerly Invitae), Labcorp
Classification: Uncertain significance for Idiopathic generalized epilepsy; Hyperaldosteronism, familial, type IV. Last evaluated: 2022-10-14. Review status: criteria provided, single submitter. Criteria: Invitae Variant Classification Sherloc (09022015). Collection method: clinical testing. Allele origin: germline.
Comment: This variant has not been reported in the literature in individuals affected with CACNA1H-related conditions. This variant is not present in population databases (gnomAD no frequency). This sequence change replaces threonine, which is neutral and polar, with serine, which is neutral and polar, at codon 1087 of the CACNA1H protein (p.Thr1087Ser). ClinVar contains an entry for this variant (Variation ID: 1408598). In summary, the available evidence is currently insufficient to determine the role of this variant in disease. Therefore, it has been classified as a Variant of Uncertain Significance. Advanced modeling of protein sequence and biophysical properties (such as structural, functional, and spatial information, amino acid conservation, physicochemical variation, residue mobility, and thermodynamic stability) performed at Invitae indicates that this missense variant is not expected to disrupt CACNA1H protein function.

NM_021098.3(CACNA1H):c.3260C>G (p.Thr1087Ser)

Gene: CACNA1H (calcium voltage-gated channel subunit alpha1 H; plus strand). Cytogenetic location: 16p13.3.
Variant type: single nucleotide variant.
Coding change: c.3260C>G on transcript NM_021098.3 (MANE Select); coding-DNA position 3260, C replaced by G.
Protein change: p.Thr1087Ser; replaces threonine 1087 with serine.
Molecular consequence: missense variant.
Genome position (GRCh38, 1-based): chr16:1,208,118, C>G. VCF-style: chr16-1208118-C-G. GRCh37 (hg19) VCF-style: chr16-1258118-C-G.
Other names: c.3260C>G, p.Thr1087Ser (NM_001005407.2); short protein forms T1087S.
Identifiers: ClinVar variation 1408598 (VCV001408598.8), dbSNP rs772383239, ClinGen allele CA394172058.